The following is an entry in ClinVar:

NM_007118.4(TRIO):c.7309G>A (p.Ala2437Thr)

Gene: TRIO (trio Rho guanine nucleotide exchange factor; plus strand). Cytogenetic location: 5p15.2.
Variant type: single nucleotide variant.
Coding change: c.7309G>A on transcript NM_007118.4 (MANE Select); coding-DNA position 7309, G replaced by A.
Protein change: p.Ala2437Thr; replaces alanine 2437 with threonine.
Molecular consequence: missense variant.
Genome position (GRCh38, 1-based): chr5:14,487,937, G>A. VCF-style: chr5-14487937-G-A. GRCh37 (hg19) VCF-style: chr5-14488046-G-A.
Other names: short protein forms A2437T.
Identifiers: ClinVar variation 1675976 (VCV001675976.35), dbSNP rs773401747, ClinGen allele CA3207369.

ClinVar aggregate classification (germline): Conflicting classifications of pathogenicity. Review status: criteria provided, conflicting classifications (1 of 4 stars). 3 submissions from 3 submitters: Uncertain significance (1); Likely benign (2). Last evaluated 2026-02-01.

Conditions:
Intellectual disability. Also called: Intellectual developmental disorder; Intellectual functioning disability; intellectual disabilities. Identifiers: MedGen C3714756, MeSH D008607, MONDO:0001071, HP:0001249.

Allele frequency attached by ClinVar (database versions not stated): TOPMed 0.00017; gnomAD exomes 0.00019; ExAC 0.00020; gnomAD 0.00021 and 0.00022.
gnomAD v4.1: 292 of 1,543,108 alleles (0.019%); highest among the groups gnomAD compares: Middle Eastern, 0.038%; no homozygotes.

Submissions (3):

CeGaT Center for Human Genetics Tuebingen
Classification: Likely benign. Last evaluated: 2026-02-01. Review status: criteria provided, single submitter. Criteria: CeGaT Center For Human Genetics Tuebingen Variant Classification Criteria Version 2. Collection method: clinical testing. Allele origin: germline. Affected: yes. Observed: 5 variant alleles.
Comment: TRIO: BP4, BS2

Laboratory of Genetics, Children's Clinical University Hospital Latvia
Classification: Likely benign. Last evaluated: 2025-02-16. Review status: criteria provided, single submitter. Criteria: ACMG Guidelines, 2015. Collection method: clinical testing. Allele origin: germline. Affected: yes.

Cambridge Genomics Laboratory, East Genomic Laboratory Hub, NHS Genomic Medicine Service
Classification: Uncertain significance for Intellectual disability. Last evaluated: 2020-03-27. Review status: criteria provided, single submitter. Criteria: ACGS Best Practice Guidelines for Variant Classification in Rare Disease 2020. Collection method: clinical testing. Allele origin: germline. Affected: yes. Observed: 1 variant allele.